The following is an entry in ClinVar:

NM_001128178.3(NPHP1):c.1384C>T (p.Pro462Ser)

Gene: NPHP1 (nephrocystin 1; minus strand). Cytogenetic location: 2q13.
Variant type: single nucleotide variant.
Coding change: c.1384C>T on transcript NM_001128178.3 (MANE Select); coding-DNA position 1384, C replaced by T.
Protein change: p.Pro462Ser; replaces proline 462 with serine.
Molecular consequence: missense variant.
Genome position (GRCh38, 1-based): chr2:110,144,538, G>A on the plus strand (C>T on the coding strand, the complement: NPHP1 is on the minus strand). VCF-style: chr2-110144538-G-A. GRCh37 (hg19) VCF-style: chr2-110902115-G-A.
Other names: c.1552C>T (NM_000272.3); c.1552C>T, p.Pro518Ser (NM_000272.5); c.1195C>T, p.Pro399Ser (NM_001128179.3); c.1381C>T, p.Pro461Ser (NM_001374256.1); c.1384C>T, p.Pro462Ser (NM_001374257.1); c.1549C>T, p.Pro517Ser (NM_207181.4); short protein forms P518S, P399S, P461S, P517S, P462S.
Identifiers: ClinVar variation 1981061 (VCV001981061.5), dbSNP rs2104483874, ClinGen allele CA348087514.

ClinVar aggregate classification (germline): Uncertain significance. Review status: criteria provided, single submitter (1 of 4 stars). 2 submissions from 2 submitters: Uncertain significance (1). 1 of the submissions does not count toward it. Last evaluated 2022-10-12.

Conditions:
Nephronophthisis. Also called: Juvenile Nephronophthisis. Identifiers: Orphanet 655, MedGen C0687120, MONDO:0019005, HP:0000090.
NPHP1-related disorder. Also called: NPHP1-related disorders; NPHP1-related condition.

gnomAD v4.1: 5 of 1,605,376 alleles (0.00031%); highest among the groups gnomAD compares: Non-Finnish European, 0.00043%; no homozygotes.

Submissions (2):

Labcorp Genetics (formerly Invitae), Labcorp
Classification: Uncertain significance for Nephronophthisis. Last evaluated: 2022-10-12. Review status: criteria provided, single submitter. Criteria: Invitae Variant Classification Sherloc (09022015). Collection method: clinical testing. Allele origin: germline.
Comment: In summary, the available evidence is currently insufficient to determine the role of this variant in disease. Therefore, it has been classified as a Variant of Uncertain Significance. Advanced modeling of protein sequence and biophysical properties (such as structural, functional, and spatial information, amino acid conservation, physicochemical variation, residue mobility, and thermodynamic stability) performed at Invitae indicates that this missense variant is expected to disrupt NPHP1 protein function. This variant has not been reported in the literature in individuals affected with NPHP1-related conditions. This variant is not present in population databases (gnomAD no frequency). This sequence change replaces proline, which is neutral and non-polar, with serine, which is neutral and polar, at codon 518 of the NPHP1 protein (p.Pro518Ser).

PreventionGenetics, part of Exact Sciences
Classification: Uncertain significance for NPHP1-related condition. Last evaluated: 2024-08-07. Review status: no assertion criteria provided. Collection method: clinical testing. Allele origin: germline. Not counted in ClinVar's aggregate classification.
Comment: The NPHP1 c.1552C>T variant is predicted to result in the amino acid substitution p.Pro518Ser. To our knowledge, this variant has not been reported in the literature or in a large population database , indicating this variant is rare. At this time, the clinical significance of this variant is uncertain due to the absence of conclusive functional and genetic evidence.